The following is an entry in ClinVar:

ClinVar aggregate classification (germline): Conflicting classifications of pathogenicity. Review status: criteria provided, conflicting classifications (1 of 4 stars). 2 submissions from 2 submitters: Uncertain significance (1); Likely benign (1). Last evaluated 2026-05-27.

Conditions:
Hereditary cancer-predisposing syndrome. Also called: Tumor predisposition; Hereditary neoplastic syndrome; Neoplastic Syndromes, Hereditary; Hereditary Cancer Syndrome. Identifiers: Orphanet 140162, MedGen C0027672, MeSH D009386, MONDO:0015356.
Familial cancer of breast. Also called: hereditary breast carcinoma; Hereditary breast cancer; BREAST CANCER, FAMILIAL. Identifiers: Orphanet 227535, MedGen C0346153, MONDO:0016419, OMIM 114480. Disease mechanism: loss of function.

Submissions (2):

Ambry Genetics
Classification: Likely benign for Hereditary cancer-predisposing syndrome. Last evaluated: 2026-05-27. Review status: criteria provided, single submitter. Criteria: Ambry Variant Classification Scheme 2023. Collection method: clinical testing. Allele origin: germline.

Labcorp Genetics (formerly Invitae), Labcorp
Classification: Uncertain significance for Familial cancer of breast. Last evaluated: 2023-08-31. Review status: criteria provided, single submitter. Criteria: Invitae Variant Classification Sherloc (09022015). Collection method: clinical testing. Allele origin: germline.
Comment: This variant is not present in population databases (gnomAD no frequency). This sequence change replaces threonine, which is neutral and polar, with alanine, which is neutral and non-polar, at codon 534 of the BARD1 protein (p.Thr534Ala). In summary, the available evidence is currently insufficient to determine the role of this variant in disease. Therefore, it has been classified as a Variant of Uncertain Significance. Algorithms developed to predict the effect of missense changes on protein structure and function output the following: SIFT: "Not Available"; PolyPhen-2: "Benign"; Align-GVGD: "Not Available". The alanine amino acid residue is found in multiple mammalian species, which suggests that this missense change does not adversely affect protein function. This variant has not been reported in the literature in individuals affected with BARD1-related conditions.

NM_000465.4(BARD1):c.1600A>G (p.Thr534Ala)

Gene: BARD1 (BRCA1 associated RING domain 1; minus strand). Cytogenetic location: 2q35.
Variant type: single nucleotide variant.
Coding change: c.1600A>G on transcript NM_000465.4 (MANE Select); coding-DNA position 1600, A replaced by G.
Protein change: p.Thr534Ala; replaces threonine 534 with alanine.
Molecular consequence: missense variant. On other transcripts: non-coding transcript variant (3), intron variant (1).
Genome position (GRCh38, 1-based): chr2:214,752,524, T>C on the plus strand (A>G on the coding strand, the complement: BARD1 is on the minus strand). VCF-style: chr2-214752524-T-C. GRCh37 (hg19) VCF-style: chr2-215617248-T-C.
Other names: c.1543A>G, p.Thr515Ala (NM_001282543.2); c.247A>G, p.Thr83Ala (NM_001282545.2); c.190A>G, p.Thr64Ala (NM_001282548.2); c.365-22016A>G (NM_001282549.2); c.1600A>G (NM_000465.2); short protein forms T534A, T83A, T64A, T515A.
Identifiers: ClinVar variation 2755944 (VCV002755944.4), dbSNP rs786202280, ClinGen allele CA350454930.